The following is an entry in ClinVar:

ClinVar aggregate classification (germline): Pathogenic (1 of 4 stars; one submission).

Conditions:
Landau-Kleffner syndrome (FESD). Also called: APHASIA, ACQUIRED, WITH EPILEPSY; EPILEPSY, FOCAL, WITH SPEECH DISORDER AND WITH OR WITHOUT MENTAL RETARDATION. Identifiers: Orphanet 1945, Orphanet 725, Orphanet 98818, MedGen C0282512, MONDO:0009509, OMIM 245570.

Submission:

Labcorp Genetics (formerly Invitae), Labcorp
Classification: Pathogenic for Landau-Kleffner syndrome. Last evaluated: 2023-07-27. Review status: criteria provided, single submitter. Criteria: Invitae Variant Classification Sherloc (09022015). Collection method: clinical testing. Allele origin: germline.
Comment: This sequence change creates a premature translational stop signal (p.Gly624Aspfs*16) in the GRIN2A gene. It is expected to result in an absent or disrupted protein product. Loss-of-function variants in GRIN2A are known to be pathogenic (PMID: 23933819, 23933820). This variant is not present in population databases (gnomAD no frequency). This variant has not been reported in the literature in individuals affected with GRIN2A-related conditions. For these reasons, this variant has been classified as Pathogenic.

Literature cited by the submitters: PubMed 23933819; PubMed 23933820.

NM_001134407.3(GRIN2A):c.1871_1884del (p.Gly624fs)

Gene: GRIN2A (glutamate ionotropic receptor NMDA type subunit 2A; minus strand). Cytogenetic location: 16p13.2.
Variant type: Deletion.
Coding change: c.1871_1884del on transcript NM_001134407.3 (MANE Select); coding-DNA positions 1871 to 1884, 14 bases deleted (GGACCACCAGCAAG).
Protein change: p.Gly624fs; shifts the reading frame from glycine 624.
Molecular consequence: frameshift variant.
Genome position (GRCh38, 1-based): chr16:9,829,546-9,829,559, CTTGCTGGTGGTCC deleted on the plus strand (GGACCACCAGCAAG on the coding strand, the reverse complement: GRIN2A is on the minus strand); deleting any 14 consecutive bases within chr16:9,829,546-9,829,562 gives the same sequence; the c. name uses the placement nearest the transcript's 3' end. VCF-style (leftmost placement, unchanged base first): chr16-9829545-TCTTGCTGGTGGTCC-T. GRCh37 (hg19) VCF-style: chr16-9923402-TCTTGCTGGTGGTCC-T.
Other names: c.1871_1884del, p.Gly624fs (NM_000833.5, NM_001134408.2); short protein forms G624fs.
Identifiers: ClinVar variation 2747343 (VCV002747343.3), dbSNP rs2506111725, ClinGen allele CA2697555657.